The following is an entry in ClinVar:

ClinVar aggregate classification (germline): Pathogenic. Review status: criteria provided, multiple submitters, no conflicts (2 of 4 stars). 3 submissions from 3 submitters: Pathogenic (3). Last evaluated 2025-04-14.

Conditions:
Polycystic kidney disease, adult type (PKD1). Also called: Polycystic Kidney, Autosomal Dominant; POLYCYSTIC KIDNEY DISEASE 1 WITH OR WITHOUT POLYCYSTIC LIVER DISEASE; Polycystic Kidney Disease 1, Autosomal Dominant; Polycystic kidney disease 1; Polycystic kidney disease 1, severe; POLYCYSTIC KIDNEY DISEASE, ADULT, TYPE I. Identifiers: MedGen C3149841, MONDO:0008263, OMIM 173900.

Submissions (3):

Women's Health and Genetics/Laboratory Corporation of America, LabCorp
Classification: Pathogenic for Polycystic kidney disease, adult type. Last evaluated: 2025-04-14. Review status: criteria provided, single submitter. Criteria: LabCorp Variant Classification Summary - May 2015. Collection method: clinical testing. Allele origin: germline.
Comment: Variant summary: PKD1 c.11692_11693delTC (p.Ser3898AlafsX62) results in a premature termination codon, predicted to cause a truncation of the encoded protein or absence of the protein due to nonsense mediated decay, which are commonly known mechanisms for disease. The variant was absent in 4272 control chromosomes. c.11692_11693delTC has been observed in individual(s) affected with autosomal dominant Polycystic Kidney Disease 1, including at least one de novo individual (e.g. Xu_2018). To our knowledge, no experimental evidence demonstrating an impact on protein function has been reported. The following publication have been ascertained in the context of this evaluation (PMID: 29529603). ClinVar contains an entry for this variant (Variation ID: 1335198). Based on the evidence outlined above, the variant was classified as pathogenic.

Fulgent Genetics
Classification: Pathogenic for Polycystic kidney disease, adult type. Last evaluated: 2024-02-27. Review status: criteria provided, single submitter. Criteria: ACMG Guidelines, 2015. Collection method: clinical testing. Allele origin: germline.

CeGaT Center for Human Genetics Tuebingen
Classification: Pathogenic. Last evaluated: 2021-10-01. Review status: criteria provided, single submitter. Criteria: CeGaT Center For Human Genetics Tuebingen Variant Classification Criteria Version 2. Collection method: clinical testing. Allele origin: germline. Affected: yes. Observed: 1 variant allele.

Literature cited by the submitters: PubMed 29529603 (cited by Women's Health and Genetics/Laboratory Corporation of America, LabCorp).

NM_001009944.3(PKD1):c.11692_11693del (p.Ser3898fs)

Genes: PKD1 (polycystin 1, transient receptor potential channel interacting; minus strand), PKD1-AS1 (PKD1 antisense RNA 1; plus strand). Cytogenetic location: 16p13.3.
Variant type: Microsatellite.
Coding change: c.11692_11693del on transcript NM_001009944.3 (MANE Select); coding-DNA positions 11692 to 11693, 2 bases deleted (TC; older notation c.11692_11693delTC).
Protein change: p.Ser3898fs; shifts the reading frame from serine 3898.
Molecular consequence: frameshift variant. On other transcripts: non-coding transcript variant (1).
Genome position (GRCh38, 1-based): chr16:2,091,442-2,091,443, GA deleted on the plus strand (TC on the coding strand, the reverse complement: PKD1 is on the minus strand); deleting any 2 consecutive bases within chr16:2,091,442-2,091,446 gives the same sequence; the c. name uses the placement nearest the transcript's 3' end. VCF-style (leftmost placement, unchanged base first): chr16-2091441-CGA-C. GRCh37 (hg19) VCF-style: chr16-2141442-CGA-C.
Other names: c.11692_11693delTC (NM_001009944.3); c.11689_11690del, p.Ser3897fs (NM_000296.4); short protein forms S3897fs, S3898fs.
Identifiers: ClinVar variation 1335198 (VCV001335198.39), dbSNP rs2151695024, ClinGen allele CA2580613364.
Genomic context (GRCh38, chr16:2,091,441, plus strand): 5'-CTGCCGGTGGGAGGCGCGGGGTCTGGCCGGGGACGGGCGTACCGAGGTGAGCAGAGGCAG[CGA>C]GAGGCCCGCGCTGAGGCGGCGCAGCGCAAAGGGGCGGACGCTGAGGGCGGCCAGGGCGCG-3'